The following is an entry in ClinVar:

ClinVar aggregate classification (germline): Likely benign (1 of 4 stars; one submission).

Allele frequency attached by ClinVar (database versions not stated): gnomAD exomes below 0.00001.
gnomAD v4.1: 2 of 1,614,064 alleles (0.00012%); highest among the groups gnomAD compares: Non-Finnish European, 0.00017%; no homozygotes.

Submission:

GeneDx
Classification: Likely benign. Last evaluated: 2017-07-20. Review status: criteria provided, single submitter. Criteria: GeneDx Variant Classification (06012015). Collection method: clinical testing. Allele origin: germline. Affected: yes.
Comment: This variant is considered likely benign or benign based on one or more of the following criteria: it is a conservative change, it occurs at a poorly conserved position in the protein, it is predicted to be benign by multiple in silico algorithms, and/or has population frequency not consistent with disease.

NM_002206.3(ITGA7):c.2628G>A (p.Leu876=)

Gene: ITGA7 (integrin subunit alpha 7; minus strand). Cytogenetic location: 12q13.2.
Variant type: single nucleotide variant.
Coding change: c.2628G>A on transcript NM_002206.3 (MANE Select); coding-DNA position 2628, G replaced by A.
Protein change: p.Leu876=; no amino-acid change (leucine 876 retained).
Molecular consequence: synonymous variant.
Genome position (GRCh38, 1-based): chr12:55,693,225, C>T on the plus strand (G>A on the coding strand, the complement: ITGA7 is on the minus strand). VCF-style: chr12-55693225-C-T. GRCh37 (hg19) VCF-style: chr12-56087009-C-T.
Other names: c.2640G>A, p.Leu880= (NM_001144996.2); c.2349G>A, p.Leu783= (NM_001144997.2); c.2301G>A, p.Leu767= (NM_001367993.1); c.1284G>A, p.Leu428= (NM_001367994.1); c.2610G>A, p.Leu870= (NM_001374465.1); c.2760G>A, p.Leu920= (NM_001410977.1); c.2622G>A, p.Leu874= (NM_001414029.1); c.2553G>A, p.Leu851= (NM_001414030.1); and 5 more.
Identifiers: ClinVar variation 510955 (VCV000510955.1), dbSNP rs1555160400, ClinGen allele CA480145404.
Genomic context (GRCh38, chr12:55,693,225, plus strand): 5'-AGAGCAAAGCCCTTTCTGCCCAGGCCCCTGCCCGCCCTCCAGCTCAACCTGCATTGGGTA[C>T]AGCAACCACTTCCCATTGGCAATCTCATGAGGCCACATGATGTTGAGGAAGGCAGAGCCC-3'
Protein context (NP_002197.2, residues 866-886): PHEIANGKWL[Leu876=]YPMQVELEGG